The following is an entry in ClinVar:

NM_033131.4(WNT3A):c.56G>A (p.Ser19Asn)

Gene: WNT3A (Wnt family member 3A; plus strand). Cytogenetic location: 1q42.13.
Variant type: single nucleotide variant.
Coding change: c.56G>A on transcript NM_033131.4 (MANE Select); coding-DNA position 56, G replaced by A.
Protein change: p.Ser19Asn; replaces serine 19 with asparagine.
Molecular consequence: missense variant.
Genome position (GRCh38, 1-based): chr1:228,007,184, G>A. VCF-style: chr1-228007184-G-A. GRCh37 (hg19) VCF-style: chr1-228194885-G-A.
Other names: short protein forms S19N.
Identifiers: ClinVar variation 2383126 (VCV002383126.4), dbSNP rs771033634, ClinGen allele CA1429339.

ClinVar aggregate classification (germline): Uncertain significance. Review status: criteria provided, multiple submitters, no conflicts (2 of 4 stars). 2 submissions from 2 submitters: Uncertain significance (2). Last evaluated 2025-05-06.

Allele frequency attached by ClinVar (database versions not stated): ExAC 0.00001; gnomAD 0.00001; gnomAD exomes 0.00001.
gnomAD v4.1: 4 of 1,604,412 alleles (0.00025%); highest among the groups gnomAD compares: Non-Finnish European, 0.00034%; no homozygotes.

Submissions (2):

Ambry Genetics
Classification: Uncertain significance. Last evaluated: 2025-05-06. Review status: criteria provided, single submitter. Criteria: Ambry Variant Classification Scheme 2023. Collection method: clinical testing. Allele origin: germline.

Labcorp Genetics (formerly Invitae), Labcorp
Classification: Uncertain significance. Last evaluated: 2025-03-04. Review status: criteria provided, single submitter. Criteria: Invitae Variant Classification Sherloc (09022015). Collection method: clinical testing. Allele origin: germline.
Comment: This sequence change replaces serine, which is neutral and polar, with asparagine, which is neutral and polar, at codon 19 of the WNT3A protein (p.Ser19Asn). The frequency data for this variant in the population databases is considered unreliable, as metrics indicate poor data quality at this position in the gnomAD database. This variant has not been reported in the literature in individuals affected with WNT3A-related conditions. ClinVar contains an entry for this variant (Variation ID: 2383126). An algorithm developed to predict the effect of missense changes on protein structure and function outputs the following: PolyPhen-2: "Benign". The asparagine amino acid residue is found in multiple mammalian species, which suggests that this missense change does not adversely affect protein function. In summary, the available evidence is currently insufficient to determine the role of this variant in disease. Therefore, it has been classified as a Variant of Uncertain Significance.